The following is an entry in ClinVar:

NM_005751.5(AKAP9):c.1209A>C (p.Glu403Asp)

Gene: AKAP9 (A-kinase anchoring protein 9; plus strand). Cytogenetic location: 7q21.2.
Variant type: single nucleotide variant.
Coding change: c.1209A>C on transcript NM_005751.5 (MANE Select); coding-DNA position 1209, A replaced by C.
Protein change: p.Glu403Asp; replaces glutamic acid 403 with aspartic acid.
Molecular consequence: missense variant.
Genome position (GRCh38, 1-based): chr7:92,001,126, A>C. VCF-style: chr7-92001126-A-C. GRCh37 (hg19) VCF-style: chr7-91630440-A-C.
Other names: c.1209A>C, p.Glu403Asp (NM_147185.3); short protein forms E403D.
Identifiers: ClinVar variation 4713871 (VCV004713871.1).

ClinVar aggregate classification (germline): Uncertain significance (1 of 4 stars; one submission).

Conditions:
Long QT syndrome (LQTS). Identifiers: MedGen C0023976, MeSH D008133, MONDO:0002442. Disease mechanism: loss of function. Inheritance: Various modes of inheritance.

gnomAD v4.1: 1 of 1,614,072 alleles (0.000062%); highest among the groups gnomAD compares: African/African-American, 0.0013%; no homozygotes.

Submission:

Labcorp Genetics (formerly Invitae), Labcorp
Classification: Uncertain significance for Long QT syndrome. Last evaluated: 2025-05-13. Review status: criteria provided, single submitter. Criteria: Invitae Variant Classification Sherloc (09022015). Collection method: clinical testing. Allele origin: germline.
Comment: This sequence change replaces glutamic acid, which is acidic and polar, with aspartic acid, which is acidic and polar, at codon 403 of the AKAP9 protein (p.Glu403Asp). This variant is not present in population databases (gnomAD no frequency). This variant has not been reported in the literature in individuals affected with AKAP9-related conditions. An algorithm developed to predict the effect of missense changes on protein structure and function (PolyPhen-2) suggests that this variant is likely to be tolerated. In summary, the available evidence is currently insufficient to determine the role of this variant in disease. Therefore, it has been classified as a Variant of Uncertain Significance.